The following is an entry in ClinVar:

ClinVar aggregate classification (germline): Uncertain significance (1 of 4 stars; one submission).

Conditions:
Lethal multiple pterygium syndrome (LMPS). Identifiers: Orphanet 33108, MedGen C1854678, MONDO:0009668, OMIM 253290.

Submission:

Labcorp Genetics (formerly Invitae), Labcorp
Classification: Uncertain significance for Lethal multiple pterygium syndrome. Last evaluated: 2019-10-12. Review status: criteria provided, single submitter. Criteria: Invitae Variant Classification Sherloc (09022015). Collection method: clinical testing. Allele origin: germline.
Comment: This sequence change falls in intron 2 of the CHRNA1 gene. It does not directly change the encoded amino acid sequence of the CHRNA1 protein, but it affects a nucleotide within the consensus splice site of the intron. This variant is not present in population databases (ExAC no frequency). This variant has not been reported in the literature in individuals with CHRNA1-related conditions. Nucleotide substitutions within the consensus splice site are a relatively common cause of aberrant splicing (PMID: 17576681, 9536098). Algorithms developed to predict the effect of sequence changes on RNA splicing suggest that this variant may disrupt the consensus splice site, but this prediction has not been confirmed by published transcriptional studies. In summary, the available evidence is currently insufficient to determine the role of this variant in disease. Therefore, it has been classified as a Variant of Uncertain Significance.

NM_000079.4(CHRNA1):c.189+4A>T

Gene: CHRNA1 (cholinergic receptor nicotinic alpha 1 subunit; minus strand). Cytogenetic location: 2q31.1.
Variant type: single nucleotide variant.
Coding change: c.189+4A>T on transcript NM_000079.4 (MANE Select); 4 bases into the intron after coding-DNA position 189, A replaced by T.
Molecular consequence: intron variant.
Genome position (GRCh38, 1-based): chr2:174,759,484, T>A on the plus strand (A>T on the coding strand, the complement: CHRNA1 is on the minus strand). VCF-style: chr2-174759484-T-A. GRCh37 (hg19) VCF-style: chr2-175624212-T-A.
Other names: c.189+4A>T (NM_001039523.3).
Identifiers: ClinVar variation 960092 (VCV000960092.1), dbSNP rs1684049743, ClinGen allele CA1139657364.